The following is an entry in ClinVar:

NM_001042492.3(NF1):c.5806_5812+1del

Gene: NF1 (neurofibromin 1; plus strand). Cytogenetic location: 17q11.2.
Variant type: Deletion.
Coding change: c.5806_5812+1del on transcript NM_001042492.3 (MANE Select); coding-DNA position 5806 through the canonical splice donor site of the intron after coding-DNA position 5812, 8 bases deleted (AAATCTAG; older notation c.5806_5812+1delAAATCTAG).
Molecular consequence: splice donor variant.
Genome position (GRCh38, 1-based): chr17:31,330,492-31,330,499, AAATCTAG deleted. VCF-style (leftmost placement, unchanged base first): chr17-31330491-CAAATCTAG-C. GRCh37 (hg19) VCF-style: chr17-29657509-CAAATCTAG-C.
Other names: c.5743_5749+1del (NM_000267.4).
Identifiers: ClinVar variation 995188 (VCV000995188.1), dbSNP rs2069454695, ClinGen allele CA1139665394.

ClinVar aggregate classification (germline): Pathogenic (1 of 4 stars; one submission).

Submission:

Athena Diagnostics
Classification: Pathogenic. Last evaluated: 2019-10-22. Review status: criteria provided, single submitter. Criteria: Athena Diagnostics Criteria. Collection method: clinical testing. Allele origin: unknown.
Comment: The variant disrupts a canonical splice site, and is therefore predicted to result in the loss of a functional protein. Found in at least one patient with expected phenotype for this gene, and not found in general population data.